The following is an entry in ClinVar:

ClinVar aggregate classification (germline): Uncertain significance. Review status: reviewed by expert panel (3 of 4 stars). 3 submissions from 3 submitters: Uncertain significance (1). 2 of the submissions do not count toward it. Last evaluated 2025-01-15.

Conditions:
Hereditary thrombocytopenia and hematological cancer predisposition syndrome associated with RUNX1. Also called: Familial Platelet Disorder with Propensity to Acute Myelogenous Leukemia; Familial thrombocytopenia with propensity to acute myelogenous leukemia; PLATELET DISORDER, ASPIRIN-LIKE; RUNX1 Familial Platelet Disorder with Associated Myeloid Malignancies. Identifiers: Orphanet 71290, MedGen C1832388, MeSH C563324, MONDO:0100083, OMIM 601399.
Acute myeloid leukemia (AML). Also called: Acute myeloid leukemia, adult; AML adult; Acute non-lymphocytic leukemia; Acute granulocytic leukemia; Leukemia, acute myelogenous, somatic; Leukemia, acute myeloid, somatic. Identifiers: Orphanet 519, MedGen C0023467, MeSH D015470, MONDO:0018874, OMIM 601626, HP:0004808. Disease mechanism: Constitutively activated FLT3.
Hereditary thrombocytopenia and hematologic cancer predisposition syndrome. Identifiers: Orphanet 71290, MedGen CN281654, MONDO:0011071.

Allele frequency attached by ClinVar (database versions not stated): gnomAD exomes below 0.00001.

Submissions (3):

ClinGen Myeloid Malignancy Variant Curation Expert Panel
Classification: Uncertain significance for Hereditary thrombocytopenia and hematologic cancer predisposition syndrome. Last evaluated: 2025-01-15. Review status: reviewed by expert panel. Criteria: ClinGen MyeloMalig ACMG Specifications v2. Collection method: curation. Allele origin: germline. Inheritance: Autosomal dominant inheritance.
Comment: NM_001754.5(RUNX1):c.739C>T (p.Pro247Ser) is a missense variant which has a REVEL score < 0.50 (0.341), and a SpliceAI score ≤ 0.20 (0.02) (BP4). This variant is completely absent from all population databases with at least 20x coverage for RUNX1 (PM2_Supporting). In summary, the clinical significance of this variant is uncertain. ACMG/AMP criteria applied, as specified by the Myeloid Malignancy Variant Curation Expert Panel for RUNX1: BP4, PM2_supporting.

Fulgent Genetics
Classification: Uncertain significance for Hereditary thrombocytopenia and hematological cancer predisposition syndrome associated with RUNX1; Acute myeloid leukemia. Last evaluated: 2021-09-13. Review status: criteria provided, single submitter. Criteria: ACMG Guidelines, 2015. Collection method: clinical testing. Allele origin: unknown. Not counted in ClinVar's aggregate classification.

Labcorp Genetics (formerly Invitae), Labcorp
Classification: Uncertain significance for Hereditary thrombocytopenia and hematological cancer predisposition syndrome associated with RUNX1. Last evaluated: 2019-10-19. Review status: criteria provided, single submitter. Criteria: Invitae Variant Classification Sherloc (09022015). Collection method: clinical testing. Allele origin: germline. Not counted in ClinVar's aggregate classification.
Comment: This variant has not been reported in the literature in individuals with RUNX1-related conditions. In summary, the available evidence is currently insufficient to determine the role of this variant in disease. Therefore, it has been classified as a Variant of Uncertain Significance. Algorithms developed to predict the effect of missense changes on protein structure and function output the following: SIFT: "Tolerated"; PolyPhen-2: "Benign"; Align-GVGD: "Class C0". The serine amino acid residue is found in multiple mammalian species, suggesting that this missense change does not adversely affect protein function. These predictions have not been confirmed by published functional studies and their clinical significance is uncertain. This variant is not present in population databases (ExAC no frequency). This sequence change replaces proline with serine at codon 247 of the RUNX1 protein (p.Pro247Ser). The proline residue is moderately conserved and there is a moderate physicochemical difference between proline and serine.

NM_001754.5(RUNX1):c.739C>T (p.Pro247Ser)

Gene: RUNX1 (RUNX family transcription factor 1; minus strand). Cytogenetic location: 21q22.12.
Variant type: single nucleotide variant.
Coding change: c.739C>T on transcript NM_001754.5 (MANE Select); coding-DNA position 739, C replaced by T.
Protein change: p.Pro247Ser; replaces proline 247 with serine.
Molecular consequence: missense variant.
Genome position (GRCh38, 1-based): chr21:34,834,476, G>A on the plus strand (C>T on the coding strand, the complement: RUNX1 is on the minus strand). VCF-style: chr21-34834476-G-A. GRCh37 (hg19) VCF-style: chr21-36206773-G-A.
Other names: NM_001754.5(RUNX1):c.739C>T; p.Pro247Ser; c.658C>T, p.Pro220Ser (NM_001001890.3, NM_001122607.2); short protein forms P220S, P247S.
Identifiers: ClinVar variation 936854 (VCV000936854.12), dbSNP rs2057112093, ClinGen allele CA410206789.